The following is an entry in ClinVar:

NM_000051.4(ATM):c.6415G>T (p.Glu2139Ter)

Genes: ATM (ATM serine/threonine kinase; plus strand), C11orf65 (chromosome 11 open reading frame 65; minus strand). Cytogenetic location: 11q22.3.
Variant type: single nucleotide variant.
Coding change: c.6415G>T on transcript NM_000051.4 (MANE Select); coding-DNA position 6415, G replaced by T.
Protein change: p.Glu2139Ter; replaces glutamic acid 2139 with a stop codon.
Molecular consequence: nonsense. On other transcripts: intron variant (2).
Genome position (GRCh38, 1-based): chr11:108,320,021, G>T. VCF-style: chr11-108320021-G-T. GRCh37 (hg19) VCF-style: chr11-108190748-G-T.
Other names: c.6415G>T, p.Glu2139Ter (NM_001351834.2); c.641-10950C>A (NM_001330368.2); c.*39-10950C>A (NM_001351110.2); short protein forms E2139*.
Identifiers: ClinVar variation 651311 (VCV000651311.38), dbSNP rs1339238483, ClinGen allele CA382553461.

ClinVar aggregate classification (germline): Pathogenic/Likely pathogenic. Review status: criteria provided, multiple submitters, no conflicts (2 of 4 stars). 9 submissions from 9 submitters: Pathogenic (4); Likely pathogenic (3). 2 of the submissions do not count toward it. Last evaluated 2024-07-05.

Conditions:
Hereditary cancer-predisposing syndrome. Also called: Tumor predisposition; Hereditary neoplastic syndrome; Neoplastic Syndromes, Hereditary; Hereditary Cancer Syndrome. Identifiers: Orphanet 140162, MedGen C0027672, MeSH D009386, MONDO:0015356.
Familial cancer of breast. Also called: Hereditary breast cancer; BREAST CANCER, FAMILIAL; hereditary breast carcinoma. Identifiers: Orphanet 227535, MedGen C0346153, MONDO:0016419, OMIM 114480. Disease mechanism: loss of function.
ATM-related disorder. Also called: ATM-related disorders; ATM-related condition.
Colonic neoplasm. Also called: Colonic Neoplasms; Neoplasm of the colon. Identifiers: MedGen C0009375, MeSH D003110, MONDO:0005401, HP:0100273.
Ataxia-telangiectasia syndrome (AT). Also called: Ataxia-telangiectasia, complementation group D; AT, COMPLEMENTATION GROUP C; ATAXIA-TELANGIECTASIA, COMPLEMENTATION GROUP A; ATAXIA-TELANGIECTASIA, FRESNO VARIANT; Ataxia-telangiectasia; LOUIS-BAR SYNDROME. Identifiers: Orphanet 100, MedGen C0004135, MONDO:0008840, OMIM 208900.

Submissions (9):

Blueprint Genetics
Classification: Likely pathogenic for ATM-related disorders. Last evaluated: 2024-07-05. Review status: criteria provided, single submitter. Criteria: ACMG Guidelines, 2015. Collection method: clinical testing. Allele origin: germline. Affected: yes. Observed: 1 variant allele.

Fulgent Genetics
Classification: Likely pathogenic for Familial cancer of breast; Ataxia-telangiectasia syndrome. Last evaluated: 2024-03-15. Review status: criteria provided, single submitter. Criteria: ACMG Guidelines, 2015. Collection method: clinical testing. Allele origin: germline.

Myriad Genetics, Inc.
Classification: Pathogenic for Familial cancer of breast. Last evaluated: 2024-01-29. Review status: criteria provided, single submitter. Criteria: Myriad Autosomal Dominant, Autosomal Recessive and X-Linked Classification Criteria (2023). Collection method: clinical testing. Allele origin: unknown.
Comment: This variant is considered pathogenic. This variant creates a termination codon and is predicted to result in premature protein truncation.

Baylor Genetics
Classification: Likely pathogenic for Familial cancer of breast. Last evaluated: 2023-01-21. Review status: criteria provided, single submitter. Criteria: ACMG Guidelines, 2015. Collection method: clinical testing. Allele origin: unknown.

Ambry Genetics
Classification: Pathogenic for Hereditary cancer-predisposing syndrome. Last evaluated: 2022-11-28. Review status: criteria provided, single submitter. Criteria: Ambry Variant Classification Scheme 2023. Collection method: clinical testing. Allele origin: germline.
Comment: The p.E2139* pathogenic mutation (also known as c.6415G>T), located in coding exon 43 of the ATM gene, results from a G to T substitution at nucleotide position 6415. This changes the amino acid from a glutamic acid to a stop codon within coding exon 43. This alteration was seen in 0/732 breast cancer patients, 1/189 colorectal cancer patients and 0/490 cancer-free elderly controls in a Turkish population (Akcay IM et al. Int J Cancer, 2021 Jan;148:285-295). This variant is considered to be rare based on population cohorts in the Genome Aggregation Database (gnomAD). In addition to the clinical data presented in the literature, this alteration is expected to result in loss of function by premature protein truncation or nonsense-mediated mRNA decay. As such, this alteration is interpreted as a disease-causing mutation.

Labcorp Genetics (formerly Invitae), Labcorp
Classification: Pathogenic for Ataxia-telangiectasia syndrome. Last evaluated: 2022-03-17. Review status: criteria provided, single submitter. Criteria: Invitae Variant Classification Sherloc (09022015). Collection method: clinical testing. Allele origin: germline.
Comment: For these reasons, this variant has been classified as Pathogenic. ClinVar contains an entry for this variant (Variation ID: 651311). This variant has not been reported in the literature in individuals affected with ATM-related conditions. This variant is present in population databases (no rsID available, gnomAD 0.0009%). This sequence change creates a premature translational stop signal (p.Glu2139*) in the ATM gene. It is expected to result in an absent or disrupted protein product. Loss-of-function variants in ATM are known to be pathogenic (PMID: 23807571, 25614872).

Color Diagnostics, LLC DBA Color Health
Classification: Pathogenic for Hereditary cancer-predisposing syndrome. Last evaluated: 2020-01-15. Review status: criteria provided, single submitter. Criteria: ACMG Guidelines, 2015. Collection method: clinical testing. Allele origin: germline.
Comment: This variant changes 1 nucleotide in exon 44 of the ATM gene, creating a premature translation stop signal. This variant is expected to result in an absent or non-functional protein product. This variant has been identified in 1/244414 chromosomes in the general population by the Genome Aggregation Database (gnomAD). Loss of ATM function is a known mechanism of disease. Based on the available evidence, this variant is classified as Pathogenic.

BRCAlab, Lund University
Classification: Pathogenic for Familial cancer of breast. Last evaluated: 2022-08-26. Review status: no assertion criteria provided. Collection method: clinical testing. Allele origin: germline. Affected: yes. Not counted in ClinVar's aggregate classification.

Medical Genetics Laboratory, Umraniye Training and Research Hospital, University of Health Sciences
Classification: Pathogenic for Colonic neoplasm. Last evaluated: 2021-09-12. Review status: no assertion criteria provided. Collection method: case-control. Allele origin: germline. Inheritance: Autosomal dominant inheritance. Affected: yes. Observed: 1 heterozygote. Not counted in ClinVar's aggregate classification.

Literature cited by the submitters: PubMed 30482293 (cited by Ambry Genetics); PubMed 32658311 (cited by Ambry Genetics); PubMed 23807571 (cited by Labcorp Genetics (formerly Invitae), Labcorp); PubMed 25614872 (cited by Labcorp Genetics (formerly Invitae), Labcorp).